The following is an entry in ClinVar:

ClinVar aggregate classification (germline): Likely pathogenic (1 of 4 stars; one submission).

Submission:

GeneDx
Classification: Likely pathogenic. Last evaluated: 2022-02-08. Review status: criteria provided, single submitter. Criteria: GeneDx Variant Classification Process June 2021. Collection method: clinical testing. Allele origin: germline. Affected: yes.
Comment: Frameshift variant predicted to result in protein truncation or nonsense mediated decay in a gene for which loss-of-function is a known mechanism of disease; Not observed at significant frequency in large population cohorts (gnomAD); Has not been previously published as pathogenic or benign to our knowledge

NM_002775.5(HTRA1):c.278_280delinsCC (p.Phe93fs)

Gene: HTRA1 (HtrA serine peptidase 1; plus strand). Cytogenetic location: 10q26.13.
Variant type: Indel.
Coding change: c.278_280delinsCC on transcript NM_002775.5 (MANE Select); coding-DNA positions 278 to 280, TCG replaced by CC.
Protein change: p.Phe93fs; shifts the reading frame from phenylalanine 93.
Molecular consequence: frameshift variant.
Genome position (GRCh38, 1-based): chr10:122,461,930-122,461,932, TCG replaced by CC. VCF-style: chr10-122461930-TCG-CC. GRCh37 (hg19) VCF-style: chr10-124221446-TCG-CC.
Other names: short protein forms F93fs.
Identifiers: ClinVar variation 1341619 (VCV001341619.2), dbSNP rs2133905257, ClinGen allele CA2573053249.